The following is an entry in ClinVar:

ClinVar aggregate classification (germline): Uncertain significance (1 of 4 stars; one submission).

Conditions:
Dystonic disorder. Also called: Dystonia. Identifiers: MedGen C0013421, MONDO:0003441, HP:0001332.

Submission:

Labcorp Genetics (formerly Invitae), Labcorp
Classification: Uncertain significance for Dystonic disorder. Last evaluated: 2018-12-22. Review status: criteria provided, single submitter. Criteria: Invitae Variant Classification Sherloc (09022015). Collection method: clinical testing. Allele origin: germline.
Comment: This sequence change replaces glycine with arginine at codon 199 of the SPR protein (p.Gly199Arg). The glycine residue is highly conserved and there is a moderate physicochemical difference between glycine and arginine. This variant also falls at the last nucleotide of exon 2 of the SPR coding sequence, which is part of the consensus splice site for this exon. This variant is not present in population databases (ExAC no frequency). This variant has not been reported in the literature in individuals with SPR-related conditions. Algorithms developed to predict the effect of missense changes on protein structure and function (SIFT, PolyPhen-2, Align-GVGD) all suggest that this variant is likely to be disruptive, but these predictions have not been confirmed by published functional studies and their clinical significance is uncertain. Nucleotide substitutions within the consensus splice site are a relatively common cause of aberrant splicing (PMID: 17576681, 9536098). Algorithms developed to predict the effect of sequence changes on RNA splicing suggest that this variant may disrupt the consensus splice site, but this prediction has not been confirmed by published transcriptional studies. In summary, the available evidence is currently insufficient to determine the role of this variant in disease. Therefore, it has been classified as a Variant of Uncertain Significance.

Literature cited by the submitters: PubMed 17576681; PubMed 9536098.

NM_003124.5(SPR):c.595G>C (p.Gly199Arg)

Gene: SPR (sepiapterin reductase; plus strand). Cytogenetic location: 2p13.2.
Variant type: single nucleotide variant.
Coding change: c.595G>C on transcript NM_003124.5 (MANE Select); coding-DNA position 595, G replaced by C.
Protein change: p.Gly199Arg; replaces glycine 199 with arginine.
Molecular consequence: missense variant.
Genome position (GRCh38, 1-based): chr2:72,888,604, G>C. VCF-style: chr2-72888604-G-C. GRCh37 (hg19) VCF-style: chr2-73115733-G-C.
Other names: short protein forms G199R.
Identifiers: ClinVar variation 642591 (VCV000642591.8), dbSNP rs1573882483, ClinGen allele CA347232163.
Genomic context (GRCh38, chr2:72,888,604, plus strand): 5'-ATGCTGTTCCAGGTCCTGGCGCTGGAGGAACCTAATGTGAGGGTGCTGAACTATGCCCCA[G>C]GTAGGTGGGAAGTCCTGCCGTCCCTGTCCTCCAGAACCCACTGGTGCGCCTCTGGGGGCT-3'
Protein context (NP_003115.1, residues 189-209): PNVRVLNYAP[Gly199Arg]PLDTDMQQLA